The following is an entry in ClinVar:

NM_001384474.1(LOXHD1):c.6182+1G>T

Gene: LOXHD1 (lipoxygenase homology PLAT domains 1; minus strand). Cytogenetic location: 18q21.1.
Variant type: single nucleotide variant.
Coding change: c.6182+1G>T on transcript NM_001384474.1 (MANE Select); the canonical splice donor site of the intron after coding-DNA position 6182, G replaced by T.
Molecular consequence: splice donor variant.
Genome position (GRCh38, 1-based): chr18:46,485,018, C>A on the plus strand (G>T on the coding strand, the complement: LOXHD1 is on the minus strand). VCF-style: chr18-46485018-C-A. GRCh37 (hg19) VCF-style: chr18-44064981-C-A.
Other names: c.5996+1G>T (NM_144612.6, NM_144612.7); c.2849+1G>T (NM_001145472.3); c.2561+1G>T (NM_001308013.2); c.899+1G>T (NM_001173129.2, NM_001145473.3).
Identifiers: ClinVar variation 1497507 (VCV001497507.10), dbSNP rs200375658, ClinGen allele CA299783983.

ClinVar aggregate classification (germline): Pathogenic/Likely pathogenic. Review status: criteria provided, multiple submitters, no conflicts (2 of 4 stars). 4 submissions from 4 submitters: Pathogenic (1); Likely pathogenic (3). Last evaluated 2026-01-19.

Conditions:
Autosomal recessive nonsyndromic hearing loss 77. Identifiers: Orphanet 90636, MedGen C2746083, MONDO:0013119, OMIM 613079.
LOXHD1-related disorder. Also called: LOXHD1-related condition.

Allele frequency attached by ClinVar (database versions not stated): TOPMed 0.00002.
gnomAD v4.1: 2 of 1,549,878 alleles (0.00013%); highest among the groups gnomAD compares: Non-Finnish European, 0.00017%; no homozygotes.

Submissions (4):

Labcorp Genetics (formerly Invitae), Labcorp
Classification: Likely pathogenic. Last evaluated: 2026-01-19. Review status: criteria provided, single submitter. Criteria: Invitae Variant Classification Sherloc (09022015). Collection method: clinical testing. Allele origin: germline.
Comment: This sequence change affects a donor splice site in intron 38 of the LOXHD1 gene. It is expected to disrupt RNA splicing. Variants that disrupt the donor or acceptor splice site typically lead to a loss of protein function (PMID: 16199547), and loss-of-function variants in LOXHD1 are known to be pathogenic (PMID: 19732867, 21465660, 25792669). This variant is not present in population databases (gnomAD no frequency). This variant has not been reported in the literature in individuals affected with LOXHD1-related conditions. ClinVar contains an entry for this variant (Variation ID: 1497507). Algorithms developed to predict the effect of sequence changes on RNA splicing suggest that this variant may disrupt the consensus splice site. In summary, the currently available evidence indicates that the variant is pathogenic, but additional data are needed to prove that conclusively. Therefore, this variant has been classified as Likely Pathogenic.

Natera, Inc.
Classification: Likely pathogenic for Autosomal recessive deafness type 77. Last evaluated: 2024-08-30. Review status: criteria provided, single submitter. Criteria: Natera Variant Classification Schema (03/2026). Collection method: clinical testing. Allele origin: germline.
Comment: The c.5996+1G>T variant in LOXHD1 is a canonical splice donor site variant predicted to affect pre-mRNA splicing, which may result in an abnormal transcript and altered protein product. This variant is expected to result in nonsense mediated decay, truncation, or a dysfunctional protein product. This variant is rare in the general population with a frequency below the threshold expected for the associated phenotype(s). Given the available evidence, this variant is classified as Likely Pathogenic.

King Laboratory, University of Washington
Classification: Likely pathogenic for Autosomal recessive nonsyndromic hearing loss 77. Last evaluated: 2023-02-28. Review status: criteria provided, single submitter. Criteria: Li et al. (Genet Med. 2022). Collection method: research. Allele origin: unknown. Affected: yes.
Comment: This variant occurred in compound heterozygosity with a LOXHD1 nonsense variant in a patient with bilateral sensorineural hearing loss of onset <18 years, in a study of pediatric hearing loss conducted by the King Laboratory (Carlson RJ et al. JAMA-OtoHNS 2023). This variant is a single base pair substitution that is predicted to alter splicing. At the donor splice of LOXHD1 exon 21, the sequence change is GAA|gtagga > GAAttagga, NNSPLICE is 0.04 and 0.00, MaxEnt is 2.43 and -6.08 for reference and mutant sequences, respectively). A cryptic donor splice is predicted in the sequence of intron 21 with NNSPLICE 0.95 and MAxEnt 9.31. Consequences of altered splicing are (a) skipping of exon 21 resulting in a 133bp message deletion and premature stop at codon 1005 of 1115, or (b) activation of the cryptic donor splice resulting in a 42bp message insertion and inframe premature stop at codon 951. As of January 2023, this variant has been reported to ClinVar as likely pathogenic and is not found on gnomAD. Based on the prediction that this variant leads to a truncated protein, compound heterozygosity with a loss-of-function variant, and goodness of fit of genotype to phenotype, we conclude that this variant is likely pathogenic.

Blueprint Genetics
Classification: Pathogenic for LOXHD1-related disorders. Last evaluated: 2021-10-13. Review status: criteria provided, single submitter. Criteria: ACMG Guidelines, 2015. Collection method: clinical testing. Allele origin: germline. Affected: yes. Observed: 2 variant alleles.

Literature cited by the submitters: PubMed 16199547 (cited by Labcorp Genetics (formerly Invitae), Labcorp); PubMed 19732867 (cited by Labcorp Genetics (formerly Invitae), Labcorp); PubMed 21465660 (cited by Labcorp Genetics (formerly Invitae), Labcorp); PubMed 25792669 (cited by Labcorp Genetics (formerly Invitae), Labcorp); PubMed 36633841 (cited by King Laboratory, University of Washington).